The following is an entry in ClinVar:

NM_001164665.2(KIAA1549):c.3640A>G (p.Thr1214Ala)

Gene: KIAA1549 (KIAA1549; minus strand). Cytogenetic location: 7q34.
Variant type: single nucleotide variant.
Coding change: c.3640A>G on transcript NM_001164665.2 (MANE Select); coding-DNA position 3640, A replaced by G.
Protein change: p.Thr1214Ala; replaces threonine 1214 with alanine.
Molecular consequence: missense variant.
Genome position (GRCh38, 1-based): chr7:138,903,617, T>C on the plus strand (A>G on the coding strand, the complement: KIAA1549 is on the minus strand). VCF-style: chr7-138903617-T-C. GRCh37 (hg19) VCF-style: chr7-138588363-T-C.
Other names: c.3640A>G, p.Thr1214Ala (NM_020910.3); short protein forms T1214A.
Identifiers: ClinVar variation 1046210 (VCV001046210.5), dbSNP rs752173419, ClinGen allele CA4506169.
Genomic context (GRCh38, chr7:138,903,617, plus strand): 5'-CTCCTTCCCCTCCTCCTTTGATGTGGAGTACCTGCACCACACTGTTCCCTGCAGCTACAG[T>C]GGCCCTTCTCCACATCCGCCTTCTGGTGGAAACCTCGCTGAGCAGCTGGGCCAGCTTGCG-3'
Protein context (NP_001158137.1, residues 1204-1224): STRRRMWRRA[Thr1214Ala]VAAGNSVVQV

ClinVar aggregate classification (germline): Uncertain significance. Review status: criteria provided, multiple submitters, no conflicts (2 of 4 stars). 2 submissions from 2 submitters: Uncertain significance (2). Last evaluated 2023-10-30.

Allele frequency attached by ClinVar (database versions not stated): gnomAD 0.00001; ExAC 0.00002; gnomAD exomes 0.00002 and 0.00004; TOPMed 0.00002.
gnomAD v4.1: 57 of 1,613,650 alleles (0.0035%); highest among the groups gnomAD compares: Non-Finnish European, 0.0047%; no homozygotes.

Submissions (2):

Blueprint Genetics
Classification: Uncertain significance. Last evaluated: 2023-10-30. Review status: criteria provided, single submitter. Criteria: ACMG Guidelines, 2015. Collection method: clinical testing. Allele origin: germline.

Labcorp Genetics (formerly Invitae), Labcorp
Classification: Uncertain significance. Last evaluated: 2022-09-01. Review status: criteria provided, single submitter. Criteria: Invitae Variant Classification Sherloc (09022015). Collection method: clinical testing. Allele origin: germline.
Comment: This sequence change replaces threonine, which is neutral and polar, with alanine, which is neutral and non-polar, at codon 1214 of the KIAA1549 protein (p.Thr1214Ala). This variant is present in population databases (rs752173419, gnomAD 0.004%). This variant has not been reported in the literature in individuals affected with KIAA1549-related conditions. ClinVar contains an entry for this variant (Variation ID: 1046210). Algorithms developed to predict the effect of missense changes on protein structure and function are either unavailable or do not agree on the potential impact of this missense change (SIFT: "Deleterious"; PolyPhen-2: "Probably Damaging"; Align-GVGD: "Class C0"). In summary, the available evidence is currently insufficient to determine the role of this variant in disease. Therefore, it has been classified as a Variant of Uncertain Significance.